The following is an entry in ClinVar:

ClinVar aggregate classification (germline): Uncertain significance (1 of 4 stars; one submission).

Conditions:
Aortic valve disease 2 (AOVD2). Identifiers: MedGen C3542024, MONDO:0013902, OMIM 614823.

Submission:

Labcorp Genetics (formerly Invitae), Labcorp
Classification: Uncertain significance for Aortic valve disease 2. Last evaluated: 2022-11-03. Review status: criteria provided, single submitter. Criteria: Invitae Variant Classification Sherloc (09022015). Collection method: clinical testing. Allele origin: germline.
Comment: In summary, the available evidence is currently insufficient to determine the role of this variant in disease. Therefore, it has been classified as a Variant of Uncertain Significance. Experimental studies and prediction algorithms are not available or were not evaluated, and the functional significance of this variant is currently unknown. This premature translational stop signal has been observed in at least one individual who was not affected with TBX5-related conditions (Invitae). This variant has not been reported in the literature in individuals affected with TBX5-related conditions. This variant is not present in population databases (gnomAD no frequency). This sequence change creates a premature translational stop signal (p.Gln477*) in the TBX5 gene. While this is not anticipated to result in nonsense mediated decay, it is expected to disrupt the last 42 amino acid(s) of the TBX5 protein.

NM_181486.4(TBX5):c.1429C>T (p.Gln477Ter)

Gene: TBX5 (T-box transcription factor 5; minus strand). Cytogenetic location: 12q24.21.
Variant type: single nucleotide variant.
Coding change: c.1429C>T on transcript NM_181486.4 (MANE Select); coding-DNA position 1429, C replaced by T.
Protein change: p.Gln477Ter; replaces glutamine 477 with a stop codon.
Molecular consequence: nonsense.
Genome position (GRCh38, 1-based): chr12:114,355,660, G>A on the plus strand (C>T on the coding strand, the complement: TBX5 is on the minus strand). VCF-style: chr12-114355660-G-A. GRCh37 (hg19) VCF-style: chr12-114793465-G-A.
Other names: c.1429C>T, p.Gln477Ter (NM_000192.3); c.1279C>T, p.Gln427Ter (NM_080717.4); short protein forms Q477*, Q427*.
Identifiers: ClinVar variation 2020803 (VCV002020803.4), dbSNP rs2540424707, ClinGen allele CA386925082.